The following is an entry in ClinVar:

ClinVar aggregate classification (germline): Uncertain significance. Review status: criteria provided, multiple submitters, no conflicts (2 of 4 stars). 2 submissions from 2 submitters: Uncertain significance (2). Last evaluated 2022-01-11.

Conditions:
Wilson disease (WND). Also called: Wilson's disease. Identifiers: Orphanet 905, MedGen C0019202, MONDO:0010200, OMIM 277900. Disease mechanism: loss of function.

Allele frequency attached by ClinVar (database versions not stated): gnomAD exomes 0.00001.
gnomAD v4.1: 9 of 1,613,928 alleles (0.00056%); highest among the groups gnomAD compares: African/African-American, 0.0013%; no homozygotes.

Submissions (2):

Fulgent Genetics
Classification: Uncertain significance for Wilson disease. Last evaluated: 2022-01-11. Review status: criteria provided, single submitter. Criteria: ACMG Guidelines, 2015. Collection method: clinical testing. Allele origin: unknown.

Women's Health and Genetics/Laboratory Corporation of America, LabCorp
Classification: Uncertain significance. Last evaluated: 2016-03-31. Review status: criteria provided, single submitter. Criteria: LabCorp Variant Classification Summary - May 2015. Collection method: clinical testing. Allele origin: germline.
Comment: Variant Summary: The c.2044A>G variant involves the alteration of a conserved nucleotide and 2/4 in silico tools predict a neutral outcome. The variant is absent from the large, broad ExAC control population. The variant of interest has not, to our knowledge, been reported in affected individuals via publications and/or reputable databases/clinical laboratories; nor evaluated for functional impact by in vivo/vitro studies. Because of the absence of clinical information and the lack of functional studies, the variant was classified as a variant of uncertain significance (VUS) until additional information becomes available.

NM_000053.4(ATP7B):c.2044A>G (p.Met682Val)

Gene: ATP7B (ATPase copper transporting beta; minus strand). Cytogenetic location: 13q14.3.
Variant type: single nucleotide variant.
Coding change: c.2044A>G on transcript NM_000053.4 (MANE Select); coding-DNA position 2044, A replaced by G.
Protein change: p.Met682Val; replaces methionine 682 with valine.
Molecular consequence: missense variant. On other transcripts: intron variant (2).
Genome position (GRCh38, 1-based): chr13:51,960,225, T>C on the plus strand (A>G on the coding strand, the complement: ATP7B is on the minus strand). VCF-style: chr13-51960225-T-C. GRCh37 (hg19) VCF-style: chr13-52534361-T-C.
Other names: c.1711A>G, p.Met571Val (NM_001243182.2); c.2044A>G, p.Met682Val (NM_001330578.2); c.1870-2618A>G (NM_001005918.3); c.1870-1681A>G (NM_001330579.2); short protein forms M682V, M571V.
Identifiers: ClinVar variation 495398 (VCV000495398.2), dbSNP rs1555291836, ClinGen allele CA388025163.